The following is an entry in ClinVar:

ClinVar aggregate classification (germline): Benign (1 of 4 stars; one submission).

Conditions:
Retinitis pigmentosa (RP). Identifiers: Orphanet 791, MedGen C0035334, MeSH D012174, MONDO:0019200, OMIM 268000. Inheritance: Autosomal dominant, autosomal recessive and X linked inheritance.

Allele frequency attached by ClinVar (database versions not stated): gnomAD 0.00595 and 0.00816; TOPMed 0.00935; 1000 Genomes Project 30x 0.03420; 1000 Genomes Project 0.03714.

Submission:

Illumina Laboratory Services, Illumina
Classification: Benign for Retinitis pigmentosa. Last evaluated: 2018-01-13. Review status: criteria provided, single submitter. Criteria: ICSL Variant Classification Criteria 13 December 2019. Collection method: clinical testing. Allele origin: germline.
Comment: This variant was observed in the ICSL laboratory as part of a predisposition screen in an ostensibly healthy population. It had not been previously curated by ICSL or reported in the Human Gene Mutation Database (HGMD: prior to June 1st, 2018), and was therefore a candidate for classification through an automated scoring system. Utilizing variant allele frequency, disease prevalence and penetrance estimates, and inheritance mode, an automated score was calculated to assess if this variant is too frequent to cause the disease. Based on the score and internal cut-off values, a variant classified as benign is not then subjected to further curation. The score for this variant resulted in a classification of benign for this disease.

NM_000440.3(PDE6A):c.*1720T>A

Gene: PDE6A (phosphodiesterase 6A; minus strand). Cytogenetic location: 5q32.
Variant type: single nucleotide variant.
Coding change: c.*1720T>A on transcript NM_000440.3 (MANE Select); 1720 bases downstream of the stop codon, T replaced by A.
Molecular consequence: 3 prime UTR variant.
Genome position (GRCh38, 1-based): chr5:149,859,175, A>T on the plus strand (T>A on the coding strand, the complement: PDE6A is on the minus strand). VCF-style: chr5-149859175-A-T. GRCh37 (hg19) VCF-style: chr5-149238738-A-T.
Identifiers: ClinVar variation 351957 (VCV000351957.5), dbSNP rs74869635, ClinGen allele CA10620792.